The following is an entry in ClinVar:

GRCh37/hg19 21q11.2-22.3(chr21:15006458-45674637)x3

Genes: ABCG1 (ATP binding cassette subfamily G member 1; plus strand), ADAMTS1 (ADAM metallopeptidase with thrombospondin type 1 motif 1; minus strand), ADAMTS5 (ADAM metallopeptidase with thrombospondin type 1 motif 5; minus strand), AGPAT3 (1-acylglycerol-3-phosphate O-acyltransferase 3; plus strand), APP (amyloid beta precursor protein; minus strand) and 167 more. Cytogenetic location: 21q11.2-22.3.
Variant type: copy number gain.
Change: copy number 3 (three copies instead of two) of chr21:15,006,458-45,674,637 (30.67 Mb, GRCh37 coordinates, 1-based), cytogenetic band 21q11.2-22.3.
Identifiers: ClinVar variation 2684910 (VCV002684910.1).

ClinVar aggregate classification (germline): Pathogenic (1 of 4 stars; one submission).

Submission:

Quest Diagnostics Nichols Institute San Juan Capistrano
Classification: Pathogenic. Last evaluated: 2023-03-14. Review status: criteria provided, single submitter. Criteria: ACMG/ClinGen CNV Guidelines, 2019. Collection method: clinical testing. Allele origin: unknown.
Comment: This large gain of 21q11.2q22.3 involves the critical region for Down syndrome (Chen et al., Taiwan J Obstet Gynecol. 2011 Dec;50(4):492-8. PMID: 22212323, Weisfeld-Adams et al., NPJ Genom Med. 2016;1:16003. PMID: 27840696 ).